The following is an entry in ClinVar:

ClinVar aggregate classification (germline): Uncertain significance (1 of 4 stars; one submission).

Allele frequency attached by ClinVar (database versions not stated): gnomAD 0.00001.
gnomAD v4.1: 3 of 1,614,082 alleles (0.00019%); highest among the groups gnomAD compares: African/African-American, 0.0013%; no homozygotes.

Submission:

GeneDx
Classification: Uncertain significance. Last evaluated: 2022-06-14. Review status: criteria provided, single submitter. Criteria: GeneDx Variant Classification Process June 2021. Collection method: clinical testing. Allele origin: germline. Affected: yes.
Comment: Not observed at significant frequency in large population cohorts (gnomAD); In silico analysis supports that this missense variant has a deleterious effect on protein structure/function; Has not been previously published as pathogenic or benign to our knowledge

NM_014629.4(ARHGEF10):c.3296T>C (p.Ile1099Thr)

Gene: ARHGEF10 (Rho guanine nucleotide exchange factor 10; plus strand). Cytogenetic location: 8p23.3.
Variant type: single nucleotide variant.
Coding change: c.3296T>C on transcript NM_014629.4 (MANE Select); coding-DNA position 3296, T replaced by C.
Protein change: p.Ile1099Thr; replaces isoleucine 1099 with threonine.
Molecular consequence: missense variant.
Genome position (GRCh38, 1-based): chr8:1,945,554, T>C. VCF-style: chr8-1945554-T-C. GRCh37 (hg19) VCF-style: chr8-1893720-T-C.
Other names: c.3182T>C, p.Ile1061Thr (NM_001308152.2); c.3296T>C, p.Ile1099Thr (NM_001308153.3); short protein forms I1061T, I1099T, I1123T.
Identifiers: ClinVar variation 1804489 (VCV001804489.1), dbSNP rs1814501375, ClinGen allele CA369956227.